The following is an entry in ClinVar:

NM_001363711.2(DUOX2):c.1294C>T (p.Arg432Cys)

Gene: DUOX2 (dual oxidase 2; minus strand). Cytogenetic location: 15q21.1.
Variant type: single nucleotide variant.
Coding change: c.1294C>T on transcript NM_001363711.2 (MANE Select); coding-DNA position 1294, C replaced by T.
Protein change: p.Arg432Cys; replaces arginine 432 with cysteine.
Molecular consequence: missense variant.
Genome position (GRCh38, 1-based): chr15:45,108,893, G>A on the plus strand (C>T on the coding strand, the complement: DUOX2 is on the minus strand). VCF-style: chr15-45108893-G-A. GRCh37 (hg19) VCF-style: chr15-45401091-G-A.
Other names: c.1294C>T, p.Arg432Cys (NM_014080.5); short protein forms R432C.
Identifiers: ClinVar variation 2152230 (VCV002152230.4), dbSNP rs978028019, ClinGen allele CA270132028.

ClinVar aggregate classification (germline): Uncertain significance (1 of 4 stars; one submission).

Allele frequency attached by ClinVar (database versions not stated): gnomAD 0.00001; gnomAD exomes 0.00002; TOPMed 0.00002.
gnomAD v4.1: 34 of 1,614,134 alleles (0.0021%); highest among the groups gnomAD compares: Middle Eastern, 0.016%; no homozygotes.

Submission:

Labcorp Genetics (formerly Invitae), Labcorp
Classification: Uncertain significance. Last evaluated: 2024-05-27. Review status: criteria provided, single submitter. Criteria: Invitae Variant Classification Sherloc (09022015). Collection method: clinical testing. Allele origin: germline.
Comment: This sequence change replaces arginine, which is basic and polar, with cysteine, which is neutral and slightly polar, at codon 432 of the DUOX2 protein (p.Arg432Cys). This variant is present in population databases (no rsID available, gnomAD 0.0009%). This missense change has been observed in individual(s) with congenital hypothyroidism (PMID: 30240412). ClinVar contains an entry for this variant (Variation ID: 2152230). Advanced modeling of protein sequence and biophysical properties (such as structural, functional, and spatial information, amino acid conservation, physicochemical variation, residue mobility, and thermodynamic stability) performed at Invitae indicates that this missense variant is expected to disrupt DUOX2 protein function with a positive predictive value of 80%. In summary, the available evidence is currently insufficient to determine the role of this variant in disease. Therefore, it has been classified as a Variant of Uncertain Significance.

Literature cited by the submitters: PubMed 30240412.